The following is an entry in ClinVar:

ClinVar aggregate classification (germline): Conflicting classifications of pathogenicity. Review status: criteria provided, conflicting classifications (1 of 4 stars). 3 submissions from 3 submitters: Uncertain significance (1); Likely benign (2). Last evaluated 2025-11-10.

Conditions:
Xeroderma pigmentosum (XP). Identifiers: Orphanet 910, MedGen C0043346, MONDO:0019600.

Allele frequency attached by ClinVar (database versions not stated): gnomAD 0.00001; TOPMed 0.00005; ExAC 0.00008.
gnomAD v4.1: 25 of 1,614,048 alleles (0.0015%); highest among the groups gnomAD compares: East Asian, 0.02%; no homozygotes.

Submissions (3):

Labcorp Genetics (formerly Invitae), Labcorp
Classification: Likely benign. Last evaluated: 2025-11-10. Review status: criteria provided, single submitter. Criteria: Invitae Variant Classification Sherloc (09022015). Collection method: clinical testing. Allele origin: germline.

Blueprint Genetics
Classification: Likely benign. Last evaluated: 2024-10-16. Review status: criteria provided, single submitter. Criteria: ACMG Guidelines, 2015. Collection method: clinical testing. Allele origin: germline.

Sema4
Classification: Uncertain significance for Xeroderma pigmentosum. Last evaluated: 2021-04-05. Review status: criteria provided, single submitter. Criteria: Sema4 Curation Guidelines. Collection method: curation. Allele origin: germline.
Comment: The ERCC2 c.184-6C>T variant has not been reported in the literature to our knowledge. It was observed in 9/18394 chromosomes of the East Asian subpopulation in the large and broad cohorts of the Genome Aggregation Database. The variant has not been reported in ClinVar. In silico tools suggest the impact of the variant on splicing is benign, though these predictions have not been confirmed by functional studies. The evidence is insufficient to meet ACMG/AMP criteria for classifying the variant as benign or pathogenic. Thus, the clinical significance of this variant is currently uncertain.

NM_000400.4(ERCC2):c.184-6C>T

Gene: ERCC2 (ERCC excision repair 2, TFIIH core complex helicase subunit; minus strand). Cytogenetic location: 19q13.32.
Variant type: single nucleotide variant.
Coding change: c.184-6C>T on transcript NM_000400.4 (MANE Select); 6 bases into the intron before coding-DNA position 184, C replaced by T.
Molecular consequence: intron variant.
Genome position (GRCh38, 1-based): chr19:45,368,998, G>A on the plus strand (C>T on the coding strand, the complement: ERCC2 is on the minus strand). VCF-style: chr19-45368998-G-A. GRCh37 (hg19) VCF-style: chr19-45872256-G-A.
Other names: c.112-6C>T (NM_001130867.2).
Identifiers: ClinVar variation 1565279 (VCV001565279.10), dbSNP rs763639137, ClinGen allele CA9513877.